The following is an entry in ClinVar:

ClinVar aggregate classification (germline): Uncertain significance (1 of 4 stars; one submission).

Submission:

Labcorp Genetics (formerly Invitae), Labcorp
Classification: Uncertain significance. Last evaluated: 2022-08-21. Review status: criteria provided, single submitter. Criteria: Invitae Variant Classification Sherloc (09022015). Collection method: clinical testing. Allele origin: germline.
Comment: In summary, the available evidence is currently insufficient to determine the role of this variant in disease. Therefore, it has been classified as a Variant of Uncertain Significance. Algorithms developed to predict the effect of missense changes on protein structure and function are either unavailable or do not agree on the potential impact of this missense change (SIFT: "Deleterious"; PolyPhen-2: "Possibly Damaging"; Align-GVGD: "Class C15"). This variant has not been reported in the literature in individuals affected with PITPNM3-related conditions. This variant is not present in population databases (gnomAD no frequency). This sequence change replaces glutamine, which is neutral and polar, with histidine, which is basic and polar, at codon 429 of the PITPNM3 protein (p.Gln429His).

NM_031220.4(PITPNM3):c.1287G>C (p.Gln429His)

Gene: PITPNM3 (PITPNM family member 3; minus strand). Cytogenetic location: 17p13.2.
Variant type: single nucleotide variant.
Coding change: c.1287G>C on transcript NM_031220.4 (MANE Select); coding-DNA position 1287, G replaced by C.
Protein change: p.Gln429His; replaces glutamine 429 with histidine.
Molecular consequence: missense variant.
Genome position (GRCh38, 1-based): chr17:6,472,799, C>G on the plus strand (G>C on the coding strand, the complement: PITPNM3 is on the minus strand). VCF-style: chr17-6472799-C-G. GRCh37 (hg19) VCF-style: chr17-6376119-C-G.
Other names: c.1179G>C, p.Gln393His (NM_001165966.2); short protein forms Q393H, Q429H.
Identifiers: ClinVar variation 1921327 (VCV001921327.5), dbSNP rs2544002848, ClinGen allele CA397406218.